The following is an entry in ClinVar:

ClinVar aggregate classification (germline): Uncertain significance (1 of 4 stars; one submission).

Submission:

Women's Health and Genetics/Laboratory Corporation of America, LabCorp
Classification: Uncertain significance. Last evaluated: 2026-01-22. Review status: criteria provided, single submitter. Criteria: LabCorp Variant Classification Summary - May 2015. Collection method: clinical testing. Allele origin: germline.
Comment: Variant summary: CDK13 c.1670C>T (p.Ala557Val) results in a non-conservative amino acid change in the encoded protein sequence. Algorithms developed to predict the effect of missense changes on protein structure and function are either unavailable or do not agree on the potential impact of this missense change. The variant allele was found at a frequency of 2e-05 in 251376 control chromosomes. The available data on variant occurrences in the general population are insufficient to allow any conclusion about variant significance. To our knowledge, no occurrence of c.1670C>T in individuals affected with CDK13-related conditions and no experimental evidence demonstrating its impact on protein function have been reported. No submitters have cited clinical-significance assessments for this variant to ClinVar. Based on the evidence outlined above, the variant was classified as uncertain significance.

NM_003718.5(CDK13):c.1670C>T (p.Ala557Val)

Gene: CDK13 (cyclin dependent kinase 13; plus strand). Cytogenetic location: 7p14.1.
Variant type: single nucleotide variant.
Coding change: c.1670C>T on transcript NM_003718.5 (MANE Select); coding-DNA position 1670, C replaced by T.
Protein change: p.Ala557Val; replaces alanine 557 with valine.
Molecular consequence: missense variant.
Genome position (GRCh38, 1-based): chr7:39,988,057, C>T. VCF-style: chr7-39988057-C-T. GRCh37 (hg19) VCF-style: chr7-40027656-C-T.
Other names: c.1670C>T, p.Ala557Val (NM_031267.4); short protein forms A557V.
Identifiers: ClinVar variation 4689106 (VCV004689106.1).